The following is an entry in ClinVar:

NM_001384140.1(PCDH15):c.4895G>T (p.Gly1632Val)

Gene: PCDH15 (protocadherin related 15; minus strand). Cytogenetic location: 10q21.1.
Variant type: single nucleotide variant.
Coding change: c.4895G>T on transcript NM_001384140.1 (MANE Select); coding-DNA position 4895, G replaced by T.
Protein change: p.Gly1632Val; replaces glycine 1632 with valine.
Molecular consequence: missense variant.
Genome position (GRCh38, 1-based): chr10:53,806,907, C>A on the plus strand (G>T on the coding strand, the complement: PCDH15 is on the minus strand). VCF-style: chr10-53806907-C-A. GRCh37 (hg19) VCF-style: chr10-55566667-C-A.
Other names: c.4721G>T, p.Gly1574Val (NM_001142771.2); c.4706G>T, p.Gly1569Val (NM_001142772.2); c.4700G>T, p.Gly1567Val (NM_001354420.2); c.4829G>T, p.Gly1610Val (NM_001354429.2); short protein forms G1574V, G1567V, G1610V, G1632V, G1569V.
Identifiers: ClinVar variation 4987687 (VCV004987687.1).

ClinVar aggregate classification (germline): Uncertain significance (1 of 4 stars; one submission).

Conditions:
PCDH15-related disorder. Also called: PCDH15-related condition; PCDH15-related disorders.

gnomAD v4.1: 1 of 1,613,862 alleles (0.000062%); no homozygotes.

Submission:

PreventionGenetics, part of Exact Sciences
Classification: Uncertain significance for PCDH15-related condition. Last evaluated: 2025-11-05. Review status: criteria provided, single submitter. Criteria: ACMG Guidelines, 2015. Collection method: clinical testing. Allele origin: germline.
Comment: The PCDH15 c.4721G>T variant is predicted to result in the amino acid substitution p.Gly1574Val. This variant is also described as c.*1785G>T (post-coding) in the biologically relevant transcript for hearing loss NM_001142769. To our knowledge, this variant has not been reported in the literature or in a large population database (gnomAD), indicating this variant is rare. At this time, the clinical significance of this variant is uncertain due to the absence of conclusive functional and genetic evidence.